The following is an entry in ClinVar:

ClinVar aggregate classification (germline): Uncertain significance. Review status: criteria provided, multiple submitters, no conflicts (2 of 4 stars). 2 submissions from 2 submitters: Uncertain significance (2). Last evaluated 2025-08-26.

Conditions:
Nephronophthisis. Also called: Juvenile Nephronophthisis. Identifiers: Orphanet 655, MedGen C0687120, MONDO:0019005, HP:0000090.
NPHP1-related disorder. Also called: NPHP1-related condition; NPHP1-related disorders.

Allele frequency attached by ClinVar (database versions not stated): gnomAD exomes below 0.00001 and 0.00001; TOPMed below 0.00001; gnomAD 0.00001.
gnomAD v4.1: 16 of 1,574,416 alleles (0.001%); highest among the groups gnomAD compares: African/African-American, 0.0014%; no homozygotes.

Submissions (2):

PreventionGenetics, part of Exact Sciences
Classification: Uncertain significance for NPHP1-related condition. Last evaluated: 2025-08-26. Review status: criteria provided, single submitter. Criteria: ACMG Guidelines, 2015. Collection method: clinical testing. Allele origin: germline.
Comment: The NPHP1 c.910A>G variant is predicted to result in the amino acid substitution p.Ile304Val. To our knowledge, this variant has not been reported in the literature. This variant is reported in 0.0023% of alleles in individuals of European (Non-Finnish) descent in gnomAD. At this time, the clinical significance of this variant is uncertain due to the absence of conclusive functional and genetic evidence.

Labcorp Genetics (formerly Invitae), Labcorp
Classification: Uncertain significance for Nephronophthisis. Last evaluated: 2022-06-27. Review status: criteria provided, single submitter. Criteria: Invitae Variant Classification Sherloc (09022015). Collection method: clinical testing. Allele origin: germline.
Comment: This variant has not been reported in the literature in individuals affected with NPHP1-related conditions. In summary, the available evidence is currently insufficient to determine the role of this variant in disease. Therefore, it has been classified as a Variant of Uncertain Significance. Algorithms developed to predict the effect of missense changes on protein structure and function (SIFT, PolyPhen-2, Align-GVGD) all suggest that this variant is likely to be tolerated. This variant is present in population databases (no rsID available, gnomAD 0.002%). This sequence change replaces isoleucine, which is neutral and non-polar, with valine, which is neutral and non-polar, at codon 304 of the NPHP1 protein (p.Ile304Val).

NM_001128178.3(NPHP1):c.771+139A>G

Gene: NPHP1 (nephrocystin 1; minus strand). Cytogenetic location: 2q13.
Variant type: single nucleotide variant.
Coding change: c.771+139A>G on transcript NM_001128178.3 (MANE Select); 139 bases into the intron after coding-DNA position 771, A replaced by G.
Molecular consequence: intron variant. On other transcripts: missense variant (2).
Genome position (GRCh38, 1-based): chr2:110,164,549, T>C on the plus strand (A>G on the coding strand, the complement: NPHP1 is on the minus strand). VCF-style: chr2-110164549-T-C. GRCh37 (hg19) VCF-style: chr2-110922126-T-C.
Other names: c.910A>G (NM_000272.3); c.910A>G, p.Ile304Val (NM_000272.5, NM_207181.4); c.585+139A>G (NM_001128179.3); c.771+139A>G (NM_001374256.1, NM_001374257.1); short protein forms I304V.
Identifiers: ClinVar variation 1465366 (VCV001465366.7), dbSNP rs1345383804, ClinGen allele CA348091613.